The following is an entry in ClinVar:

NM_001374828.1(ARID1B):c.3261_3262insGA (p.Ser1088fs)

Gene: ARID1B (AT-rich interaction domain 1B; plus strand). Cytogenetic location: 6q25.3.
Variant type: Insertion.
Coding change: c.3261_3262insGA on transcript NM_001374828.1 (MANE Select); coding-DNA positions 3261 to 3262, GA inserted.
Protein change: p.Ser1088fs; shifts the reading frame from serine 1088.
Molecular consequence: frameshift variant.
Genome position: GRCh38 VCF-style: chr6-157174033-G-GGA. GRCh37 (hg19) VCF-style: chr6-157495167-G-GGA.
Other names: c.762_763insGA, p.Ser255fs (NM_001363725.2); c.3300_3301insGA, p.Ser1101fs (NM_001371656.1, NM_001374820.1); c.3261_3262insGA, p.Ser1088fs (NM_017519.3); c.3051_3052insGA, p.Ser1018fs (NM_020732.3); short protein forms S1018fs, S255fs, S1088fs, S1101fs.
Identifiers: ClinVar variation 503823 (VCV000503823.2), dbSNP rs1554229912, ClinGen allele CA658796871.

ClinVar aggregate classification (germline): Pathogenic (1 of 4 stars; one submission).

Submission:

GeneDx
Classification: Pathogenic. Last evaluated: 2017-11-21. Review status: criteria provided, single submitter. Criteria: GeneDx Variant Classification (06012015). Collection method: clinical testing. Allele origin: germline. Affected: yes.
Comment: The c.3051_3052insGA variant in the ARID1B gene has not been reported previously as a pathogenic variant nor as a benign variant, to our knowledge. The c.3051_3052insGA variant causes a frameshift starting with codon Serine 1018, changes this amino acid to an Aspartic acid residue, and creates a premature Stop codon at position 113 of the new reading frame, denoted p.Ser1018AspfsX113. This variant is predicted to cause loss of normal protein function either through protein truncation or nonsense-mediated mRNA decay. The c.3051_3052insGA variant is not observed in large population cohorts (Lek et al., 2016). We interpret c.3051_3052insGA as a pathogenic variant